The following is an entry in ClinVar:

ClinVar aggregate classification (germline): Uncertain significance (1 of 4 stars; one submission).

Conditions:
Neuropathy, hereditary sensory and autonomic, type 2A (HSAN2A). Also called: ACROOSTEOLYSIS, GIACCAI TYPE; ACROOSTEOLYSIS, NEUROGENIC; MORVAN DISEASE; NEUROPATHY, CONGENITAL SENSORY; NEUROPATHY, HEREDITARY SENSORY RADICULAR, AUTOSOMAL RECESSIVE; NEUROPATHY, HEREDITARY SENSORY, TYPE IIA. Identifiers: Orphanet 970, MedGen C2752089, MONDO:0024309, OMIM 201300.
Pseudohypoaldosteronism type 2C (PHA2C). Also called: Pseudohypoaldosteronism Type IIC. Identifiers: Orphanet 757, Orphanet 88940, MedGen C1840391, MONDO:0013778, OMIM 614492.

gnomAD v4.1: 6 of 1,613,904 alleles (0.00037%); highest among the groups gnomAD compares: Middle Eastern, 0.016%; no homozygotes.

Submission:

Labcorp Genetics (formerly Invitae), Labcorp
Classification: Uncertain significance for Neuropathy, hereditary sensory and autonomic, type 2A; Pseudohypoaldosteronism type 2C. Last evaluated: 2024-10-13. Review status: criteria provided, single submitter. Criteria: Invitae Variant Classification Sherloc (09022015). Collection method: clinical testing. Allele origin: germline.
Comment: This sequence change replaces threonine, which is neutral and polar, with isoleucine, which is neutral and non-polar, at codon 1041 of the WNK1 protein (p.Thr1041Ile). This variant is present in population databases (rs758286005, gnomAD 0.003%). This variant has not been reported in the literature in individuals affected with WNK1-related conditions. Invitae Evidence Modeling of protein sequence and biophysical properties (such as structural, functional, and spatial information, amino acid conservation, physicochemical variation, residue mobility, and thermodynamic stability) indicates that this missense variant is not expected to disrupt WNK1 protein function with a negative predictive value of 95%. In summary, the available evidence is currently insufficient to determine the role of this variant in disease. Therefore, it has been classified as a Variant of Uncertain Significance.

NM_213655.5(WNK1):c.3122C>T (p.Thr1041Ile)

Gene: WNK1 (WNK lysine deficient protein kinase 1; plus strand). Cytogenetic location: 12p13.33.
Variant type: single nucleotide variant.
Coding change: c.3122C>T on transcript NM_213655.5 (MANE Plus Clinical); coding-DNA position 3122, C replaced by T.
Protein change: p.Thr1041Ile; replaces threonine 1041 with isoleucine.
Molecular consequence: missense variant. On other transcripts: intron variant (2).
Genome position (GRCh38, 1-based): chr12:868,593, C>T. VCF-style: chr12-868593-C-T. GRCh37 (hg19) VCF-style: chr12-977759-C-T.
Other names: c.2867C>T, p.Thr956Ile (NM_001184985.2); c.2140-2672C>T (NM_018979.4, NM_014823.3); short protein forms T1041I, T956I.
Identifiers: ClinVar variation 3760891 (VCV003760891.2).